The following is an entry in ClinVar:

ClinVar aggregate classification (germline): Uncertain significance (1 of 4 stars; one submission).

Allele frequency attached by ClinVar (database versions not stated): ESP Exome Variant Server 0.00023.
gnomAD v4.1: 120 of 1,612,394 alleles (0.0074%); highest among the groups gnomAD compares: African/African-American, 0.023%; no homozygotes.

Submission:

Labcorp Genetics (formerly Invitae), Labcorp
Classification: Uncertain significance. Last evaluated: 2026-01-13. Review status: criteria provided, single submitter. Criteria: Invitae Variant Classification Sherloc (09022015). Collection method: clinical testing. Allele origin: germline.
Comment: This sequence change replaces valine, which is neutral and non-polar, with isoleucine, which is neutral and non-polar, at codon 646 of the CLCN7 protein (p.Val646Ile). This variant is present in population databases (rs375096271, gnomAD 0.02%). This variant has not been reported in the literature in individuals affected with CLCN7-related conditions. ClinVar contains an entry for this variant (Variation ID: 1432325). An algorithm developed to predict the effect of missense changes on protein structure and function outputs the following: PolyPhen-2: "Benign". The isoleucine amino acid residue is found in multiple mammalian species, which suggests that this missense change does not adversely affect protein function. In summary, the available evidence is currently insufficient to determine the role of this variant in disease. Therefore, it has been classified as a Variant of Uncertain Significance.

NM_001287.6(CLCN7):c.1936G>A (p.Val646Ile)

Gene: CLCN7 (Cl-/H+ antiporter 7; minus strand). Cytogenetic location: 16p13.3.
Variant type: single nucleotide variant.
Coding change: c.1936G>A on transcript NM_001287.6 (MANE Select); coding-DNA position 1936, G replaced by A.
Protein change: p.Val646Ile; replaces valine 646 with isoleucine.
Molecular consequence: missense variant.
Genome position (GRCh38, 1-based): chr16:1,448,432, C>T on the plus strand (G>A on the coding strand, the complement: CLCN7 is on the minus strand). VCF-style: chr16-1448432-C-T. GRCh37 (hg19) VCF-style: chr16-1498433-C-T.
Other names: c.1864G>A, p.Val622Ile (NM_001114331.3); short protein forms V646I, V622I.
Identifiers: ClinVar variation 1432325 (VCV001432325.8), dbSNP rs375096271, ClinGen allele CA7809979.